The following is an entry in ClinVar:

NM_014845.6(FIG4):c.1589_1590del (p.Leu529_Phe530insTer)

Gene: FIG4 (FIG4 phosphoinositide 5-phosphatase; plus strand). Cytogenetic location: 6q21.
Variant type: Deletion.
Coding change: c.1589_1590del on transcript NM_014845.6 (MANE Select); coding-DNA positions 1589 to 1590, 2 bases deleted (TT; older notation c.1589_1590delTT).
Protein change: p.Leu529_Phe530insTer.
Molecular consequence: nonsense. On other transcripts: frameshift variant (1).
Genome position (GRCh38, 1-based): chr6:109,766,734-109,766,735, TT deleted; deleting any 2 consecutive bases within chr6:109,766,733-109,766,735 gives the same sequence; the c. name uses the placement nearest the transcript's 3' end. VCF-style (leftmost placement, unchanged base first): chr6-109766732-ATT-A. GRCh37 (hg19) VCF-style: chr6-110087935-ATT-A.
Other names: c.1589_1590delTT, p.Phe530Terfs (NM_014845.5).
Identifiers: ClinVar variation 3340204 (VCV003340204.1).

ClinVar aggregate classification (germline): Likely pathogenic (1 of 4 stars; one submission).

Submission:

GeneDx
Classification: Likely pathogenic. Last evaluated: 2023-10-18. Review status: criteria provided, single submitter. Criteria: GeneDx Variant Classification Process June 2021. Collection method: clinical testing. Allele origin: germline. Affected: yes.
Comment: Nonsense variant predicted to result in protein truncation or nonsense mediated decay in a gene for which loss of function is a known mechanism of disease; Not observed at significant frequency in large population cohorts (gnomAD); Identified in a patient with sporadic amyotrophic lateral sclerosis in published literature, although additional clinical information was not provided (PMID: 25382069); This variant is associated with the following publications: (PMID: 25382069)